The following is an entry in ClinVar:

ClinVar aggregate classification (germline): Uncertain significance (1 of 4 stars; one submission).

Conditions:
Congenital myasthenic syndrome 5. Identifiers: Orphanet 590, MedGen C1864233, MONDO:0011281, OMIM 603034.

Allele frequency attached by ClinVar (database versions not stated): gnomAD exomes below 0.00001; TOPMed below 0.00001; ExAC 0.00003.
gnomAD v4.1: 4 of 1,598,856 alleles (0.00025%); highest among the groups gnomAD compares: East Asian, 0.0045%; 1 homozygote.

Submission:

Labcorp Genetics (formerly Invitae), Labcorp
Classification: Uncertain significance for Congenital myasthenic syndrome 5. Last evaluated: 2022-06-14. Review status: criteria provided, single submitter. Criteria: Invitae Variant Classification Sherloc (09022015). Collection method: clinical testing. Allele origin: germline.
Comment: This sequence change replaces aspartic acid, which is acidic and polar, with asparagine, which is neutral and polar, at codon 160 of the COLQ protein (p.Asp160Asn). The frequency data for this variant in the population databases is considered unreliable, as metrics indicate poor data quality at this position in the gnomAD database. This variant has not been reported in the literature in individuals affected with COLQ-related conditions. Algorithms developed to predict the effect of missense changes on protein structure and function are either unavailable or do not agree on the potential impact of this missense change (SIFT: "Deleterious"; PolyPhen-2: "Not Available"; Align-GVGD: "Class C15"). In summary, the available evidence is currently insufficient to determine the role of this variant in disease. Therefore, it has been classified as a Variant of Uncertain Significance.

NM_005677.4(COLQ):c.478G>A (p.Asp160Asn)

Gene: COLQ (collagen like tail subunit of asymmetric acetylcholinesterase; minus strand). Cytogenetic location: 3p25.1.
Variant type: single nucleotide variant.
Coding change: c.478G>A on transcript NM_005677.4 (MANE Select); coding-DNA position 478, G replaced by A.
Protein change: p.Asp160Asn; replaces aspartic acid 160 with asparagine.
Molecular consequence: missense variant.
Genome position (GRCh38, 1-based): chr3:15,475,475, C>T on the plus strand (G>A on the coding strand, the complement: COLQ is on the minus strand). VCF-style: chr3-15475475-C-T. GRCh37 (hg19) VCF-style: chr3-15516982-C-T.
Other names: c.448G>A, p.Asp150Asn (NM_080538.2); c.376G>A, p.Asp126Asn (NM_080539.4); short protein forms D150N, D126N, D160N.
Identifiers: ClinVar variation 1912156 (VCV001912156.2), dbSNP rs780992593, ClinGen allele CA2276140.